The following is an entry in ClinVar:

ClinVar aggregate classification (germline): Uncertain significance (1 of 4 stars; one submission).

Submission:

Labcorp Genetics (formerly Invitae), Labcorp
Classification: Uncertain significance. Last evaluated: 2025-11-23. Review status: criteria provided, single submitter. Criteria: Invitae Variant Classification Sherloc (09022015). Collection method: clinical testing. Allele origin: germline.
Comment: This sequence change replaces valine, which is neutral and non-polar, with alanine, which is neutral and non-polar, at codon 722 of the GRIA3 protein (p.Val722Ala). This variant is not present in population databases (gnomAD no frequency). This variant has not been reported in the literature in individuals affected with GRIA3-related conditions. Invitae Evidence Modeling of protein sequence and biophysical properties (such as structural, functional, and spatial information, amino acid conservation, physicochemical variation, residue mobility, and thermodynamic stability) indicates that this missense variant is not expected to disrupt GRIA3 protein function with a negative predictive value of 80%. In summary, the available evidence is currently insufficient to determine the role of this variant in disease. Therefore, it has been classified as a Variant of Uncertain Significance.

NM_007325.5(GRIA3):c.2165T>C (p.Val722Ala)

Gene: GRIA3 (glutamate ionotropic receptor AMPA type subunit 3; plus strand). Cytogenetic location: Xq25.
Variant type: single nucleotide variant.
Coding change: c.2165T>C on transcript NM_007325.5 (MANE Select); coding-DNA position 2165, T replaced by C.
Protein change: p.Val722Ala; replaces valine 722 with alanine.
Molecular consequence: missense variant.
Genome position (GRCh38, 1-based): chrX:123,464,953, T>C. VCF-style: chrX-123464953-T-C. GRCh37 (hg19) VCF-style: chrX-122598804-T-C.
Other names: c.2165T>C, p.Val722Ala (NM_000828.5); short protein forms V722A.
Identifiers: ClinVar variation 4736999 (VCV004736999.1).
Genomic context (GRCh38, chrX:123,464,953, plus strand): 5'-TGTGGTCTTACATGAAATCAGCGGAGCCATCTGTGTTTACCAAAACAACAGCAGACGGAG[T>C]GGCCCGAGTGCGAAAGTCCAAGGGAAAGTTCGCCTTCCTGCTGGAGTCAACCATGAATGA-3'
Protein context (NP_015564.5, residues 712-732): SVFTKTTADG[Val722Ala]ARVRKSKGKF